The following is an entry in ClinVar:

ClinVar aggregate classification (germline): Uncertain significance. Review status: criteria provided, multiple submitters, no conflicts (2 of 4 stars). 2 submissions from 2 submitters: Uncertain significance (2). Last evaluated 2026-08-06.

Conditions:
Seckel syndrome 1 (SCKL1). Also called: MICROCEPHALIC PRIMORDIAL DWARFISM I. Identifiers: Orphanet 808, MedGen C4551474, MONDO:0008869, OMIM 210600.

Submissions (2):

OLLIN Analises Genomicas, OLLIN
Classification: Uncertain significance for Seckel syndrome 1. Last evaluated: 2026-08-06. Review status: criteria provided, single submitter. Criteria: ACMG Guidelines 2015 PMID 25741868. Collection method: clinical testing. Allele origin: germline. Inheritance: Autosomal recessive inheritance.
Comment: This in-frame deletion, located in exon 4 (of 47), has been reported in ClinVar (accession VCV000960081.9) and in gnomAD with an allele frequency of 0.00013%. However, to our knowledge, it has not been reported in the scientific literature. This variant removes 1 amino acid, preserving the reading frame and leading to a reduced protein length. According to the currently available evidence, this variant has been classified as uncertain significance (PM2_P, PM4).

Labcorp Genetics (formerly Invitae), Labcorp
Classification: Uncertain significance. Last evaluated: 2019-09-30. Review status: criteria provided, single submitter. Criteria: Invitae Variant Classification Sherloc (09022015). Collection method: clinical testing. Allele origin: germline.
Comment: In summary, the available evidence is currently insufficient to determine the role of this variant in disease. Therefore, it has been classified as a Variant of Uncertain Significance. Experimental studies and prediction algorithms are not available or were not evaluated, and the functional significance of this variant is currently unknown. This variant has not been reported in the literature in individuals with ATR-related conditions. This variant, c.393_395del, results in the deletion of 1 amino acid(s) of the ATR protein (p.Leu131del), but otherwise preserves the integrity of the reading frame. This variant is present in population databases (rs765419309, ExAC 0.002%).

NM_001184.4(ATR):c.387ATT[2] (p.Leu131del)

Gene: ATR (ATR checkpoint kinase; minus strand). Cytogenetic location: 3q23.
Variant type: Microsatellite.
Coding change: c.387ATT[2] on transcript NM_001184.4 (MANE Select); two copies in a row of the 3-base unit ATT starting at c.387; the reference has three copies in a row; one copy, 3 bases deleted.
Protein change: p.Leu131del; deletes leucine 131.
Molecular consequence: inframe deletion.
Genome position (GRCh38, 1-based): chr3:142,563,007-142,563,009, AAT deleted on the plus strand (ATT on the coding strand, the reverse complement: ATR is on the minus strand); deleting any 3 consecutive bases within chr3:142,563,007-142,563,015 gives the same sequence; the position shown is the placement nearest the transcript's 3' end. VCF-style (leftmost placement, unchanged base first): chr3-142563006-AAAT-A. GRCh37 (hg19) VCF-style: chr3-142281848-AAAT-A.
Other names: c.387ATT[2], p.Leu131del (NM_001354579.2); short protein forms L131del.
Identifiers: ClinVar variation 960081 (VCV000960081.10), dbSNP rs765419309, ClinGen allele CA2650773.